The following is an entry in ClinVar:

ClinVar aggregate classification (germline): Conflicting classifications of pathogenicity. Review status: criteria provided, conflicting classifications (1 of 4 stars). 3 submissions from 3 submitters: Uncertain significance (1); Likely benign (1). 1 of the submissions does not count toward it. Last evaluated 2026-01-27.

Conditions:
CEP290-related disorder. Also called: CEP290-related disorders; CEP290-related condition. Identifiers: MedGen CN239314.
Nephronophthisis. Also called: Juvenile Nephronophthisis. Identifiers: Orphanet 655, MedGen C0687120, MONDO:0019005, HP:0000090.
Joubert syndrome. Also called: JOUBERT-BOLTSHAUSER SYNDROME; Familial aplasia of the vermis. Identifiers: Orphanet 475, MedGen C5979921, MONDO:0018772.
Meckel-Gruber syndrome. Also called: DYSENCEPHALIA SPLANCHNOCYSTICA; GRUBER SYNDROME; Dysencephalia splachnocystica. Identifiers: Orphanet 564, MedGen C0265215, MONDO:0018921.
CEP290-related ciliopathy. Also called: CEP290 ciliopathy. Identifiers: MedGen CN305601, MONDO:0100451.

Submissions (3):

Myriad Genetics, Inc.
Classification: Uncertain significance for CEP290-related ciliopathy. Last evaluated: 2026-01-27. Review status: criteria provided, single submitter. Criteria: Myriad Autosomal Dominant, Autosomal Recessive and X-Linked Classification Criteria (2023). Collection method: clinical testing. Allele origin: unknown.
Comment: NM_025114.3(CEP290):c.251-4dupA is an intronic variant classified as a variant of uncertain significance in the context of CEP290-related disorders. c.251-4dupA has not been observed in cases with relevant disease. Relevant functional assessments of this variant are not available in the literature. c.251-4dupA has been observed in referenced population frequency databases. In summary, there is insufficient evidence to classify NM_025114.3(CEP290):c.251-4dupA as pathogenic or benign. Please note: this variant was assessed in the context of healthy population screening.

Labcorp Genetics (formerly Invitae), Labcorp
Classification: Likely benign for Joubert syndrome; Meckel-Gruber syndrome; Nephronophthisis. Last evaluated: 2025-05-21. Review status: criteria provided, single submitter. Criteria: Invitae Variant Classification Sherloc (09022015). Collection method: clinical testing. Allele origin: germline.

PreventionGenetics, part of Exact Sciences
Classification: Likely benign for CEP290-related condition. Last evaluated: 2024-05-23. Review status: no assertion criteria provided. Collection method: clinical testing. Allele origin: germline. Not counted in ClinVar's aggregate classification.
Comment: This variant is classified as likely benign based on ACMG/AMP sequence variant interpretation guidelines (Richards et al. 2015 PMID: 25741868, with internal and published modifications).

NM_025114.4(CEP290):c.251-4dup

Gene: CEP290 (centrosomal protein 290; minus strand). Cytogenetic location: 12q21.32.
Variant type: Duplication.
Coding change: c.251-4dup on transcript NM_025114.4 (MANE Select); 4 bases into the intron before coding-DNA position 251, one base duplicated (A; older notation c.251-4dupA).
Molecular consequence: intron variant.
Genome position (GRCh38, 1-based): chr12:88,139,195, T duplicated on the plus strand (A on the coding strand, the reverse complement: CEP290 is on the minus strand); the first of 7 consecutive T bases (chr12:88,139,195-88,139,201); duplicating any one gives the same sequence. VCF-style (leftmost placement, unchanged base first): chr12-88139194-A-AT. GRCh37 (hg19) VCF-style: chr12-88532971-A-AT.
Other names: c.251-4dupA (NM_025114.3).
Identifiers: ClinVar variation 1914470 (VCV001914470.7), dbSNP rs759170743, ClinGen allele CA6712859.